The following is an entry in ClinVar:

NM_001042492.3(NF1):c.1888G>T (p.Val630Leu)

Gene: NF1 (neurofibromin 1; plus strand). Cytogenetic location: 17q11.2.
Variant type: single nucleotide variant.
Coding change: c.1888G>T on transcript NM_001042492.3 (MANE Select); coding-DNA position 1888, G replaced by T.
Protein change: p.Val630Leu; replaces valine 630 with leucine.
Molecular consequence: missense variant.
Genome position (GRCh38, 1-based): chr17:31,225,137, G>T. VCF-style: chr17-31225137-G-T. GRCh37 (hg19) VCF-style: chr17-29552155-G-T.
Other names: c.1888G>T, p.Val630Leu (NM_000267.4); short protein forms V630L.
Identifiers: ClinVar variation 1056254 (VCV001056254.8), dbSNP rs751795238, ClinGen allele CA399005185.

ClinVar aggregate classification (germline): Conflicting classifications of pathogenicity. Review status: criteria provided, conflicting classifications (1 of 4 stars). 3 submissions from 3 submitters: Uncertain significance (2); Likely benign (1). Last evaluated 2025-05-12.

Conditions:
Cardiovascular phenotype. Identifiers: MedGen CN230736.
Hereditary cancer-predisposing syndrome. Also called: Hereditary Cancer Syndrome; Tumor predisposition; Hereditary neoplastic syndrome; Neoplastic Syndromes, Hereditary. Identifiers: Orphanet 140162, MedGen C0027672, MeSH D009386, MONDO:0015356.
Neurofibromatosis, type 1 (NF1). Also called: Peripheral type neurofibromatosis; Neurofibromatosis, type I; VON RECKLINGHAUSEN DISEASE; NEUROFIBROMATOSIS, TYPE I, SOMATIC. Identifiers: Orphanet 636, MedGen C0027831, MONDO:0018975, OMIM 162200. Disease mechanism: loss of function.

gnomAD v4.1: 1 of 1,613,682 alleles (0.000062%); highest among the groups gnomAD compares: East Asian, 0.0022%; no homozygotes.

Submissions (3):

Ambry Genetics
Classification: Likely benign for Cardiovascular phenotype; Hereditary cancer-predisposing syndrome. Last evaluated: 2025-05-12. Review status: criteria provided, single submitter. Criteria: Ambry Variant Classification Scheme 2023. Collection method: clinical testing. Allele origin: germline.

Quest Diagnostics Nichols Institute San Juan Capistrano
Classification: Uncertain significance. Last evaluated: 2025-05-07. Review status: criteria provided, single submitter. Criteria: Quest Diagnostics criteria. Collection method: clinical testing. Allele origin: unknown.

Labcorp Genetics (formerly Invitae), Labcorp
Classification: Uncertain significance for Neurofibromatosis, type 1. Last evaluated: 2024-07-01. Review status: criteria provided, single submitter. Criteria: Invitae Variant Classification Sherloc (09022015). Collection method: clinical testing. Allele origin: germline.
Comment: This sequence change replaces valine, which is neutral and non-polar, with leucine, which is neutral and non-polar, at codon 630 of the NF1 protein (p.Val630Leu). This variant is not present in population databases (gnomAD no frequency). This missense change has been observed in individual(s) with breast cancer (PMID: 30287823). ClinVar contains an entry for this variant (Variation ID: 1056254). Advanced modeling of protein sequence and biophysical properties (such as structural, functional, and spatial information, amino acid conservation, physicochemical variation, residue mobility, and thermodynamic stability) performed at Invitae indicates that this missense variant is not expected to disrupt NF1 protein function with a negative predictive value of 95%. In summary, the available evidence is currently insufficient to determine the role of this variant in disease. Therefore, it has been classified as a Variant of Uncertain Significance.

Literature cited by the submitters: PubMed 30287823 (cited by Labcorp Genetics (formerly Invitae), Labcorp).